The following is an entry in ClinVar:

ClinVar aggregate classification (germline): Uncertain significance. Review status: criteria provided, multiple submitters, no conflicts (2 of 4 stars). 2 submissions from 2 submitters: Uncertain significance (2). Last evaluated 2025-05-13.

Allele frequency attached by ClinVar (database versions not stated): ExAC 0.00008; ESP Exome Variant Server 0.00008; gnomAD exomes 0.00009; gnomAD 0.00017; TOPMed 0.00031.
gnomAD v4.1: 185 of 1,613,500 alleles (0.011%); highest among the groups gnomAD compares: Admixed American, 0.065%; no homozygotes.

Submissions (2):

Labcorp Genetics (formerly Invitae), Labcorp
Classification: Uncertain significance. Last evaluated: 2025-05-13. Review status: criteria provided, single submitter. Criteria: Invitae Variant Classification Sherloc (09022015). Collection method: clinical testing. Allele origin: germline.
Comment: This sequence change falls in intron 1 of the F12 gene. It does not directly change the encoded amino acid sequence of the F12 protein. It affects a nucleotide within the consensus splice site. This variant is present in population databases (rs371915487, gnomAD 0.1%). This variant has not been reported in the literature in individuals affected with F12-related conditions. ClinVar contains an entry for this variant (Variation ID: 2673038). Variants that disrupt the consensus splice site are a relatively common cause of aberrant splicing (PMID: 17576681, 9536098). Algorithms developed to predict the effect of sequence changes on RNA splicing suggest that this variant may disrupt the consensus splice site. In summary, the available evidence is currently insufficient to determine the role of this variant in disease. Therefore, it has been classified as a Variant of Uncertain Significance.

CeGaT Center for Human Genetics Tuebingen
Classification: Uncertain significance. Last evaluated: 2023-11-01. Review status: criteria provided, single submitter. Criteria: CeGaT Center For Human Genetics Tuebingen Variant Classification Criteria Version 2. Collection method: clinical testing. Allele origin: germline. Affected: yes. Observed: 1 variant allele.
Comment: F12: PP3

Literature cited by the submitters: PubMed 17576681 (cited by Labcorp Genetics (formerly Invitae), Labcorp); PubMed 9536098 (cited by Labcorp Genetics (formerly Invitae), Labcorp).

NM_000505.4(F12):c.57+4A>G

Gene: F12 (coagulation factor XII; minus strand). Cytogenetic location: 5q35.3.
Variant type: single nucleotide variant.
Coding change: c.57+4A>G on transcript NM_000505.4 (MANE Select); 4 bases into the intron after coding-DNA position 57, A replaced by G.
Molecular consequence: intron variant.
Genome position (GRCh38, 1-based): chr5:177,409,467, T>C on the plus strand (A>G on the coding strand, the complement: F12 is on the minus strand). VCF-style: chr5-177409467-T-C. GRCh37 (hg19) VCF-style: chr5-176836468-T-C.
Identifiers: ClinVar variation 2673038 (VCV002673038.26), dbSNP rs371915487, ClinGen allele CA3581646.